The following is an entry in ClinVar:

NM_032578.4(MYPN):c.2881C>G (p.Pro961Ala)

Gene: MYPN (myopalladin; plus strand). Cytogenetic location: 10q21.3.
Variant type: single nucleotide variant.
Coding change: c.2881C>G on transcript NM_032578.4 (MANE Select); coding-DNA position 2881, C replaced by G.
Protein change: p.Pro961Ala; replaces proline 961 with alanine.
Molecular consequence: missense variant. On other transcripts: non-coding transcript variant (2).
Genome position (GRCh38, 1-based): chr10:68,189,082, C>G. VCF-style: chr10-68189082-C-G. GRCh37 (hg19) VCF-style: chr10-69948839-C-G.
Other names: c.2881C>G, p.Pro961Ala (NM_001256267.2); c.1999C>G, p.Pro667Ala (NM_001256268.2); short protein forms P667A, P961A.
Identifiers: ClinVar variation 958452 (VCV000958452.9), dbSNP rs139996402, ClinGen allele CA5522888.

ClinVar aggregate classification (germline): Uncertain significance. Review status: criteria provided, multiple submitters, no conflicts (2 of 4 stars). 3 submissions from 3 submitters: Uncertain significance (3). Last evaluated 2024-08-28.

Conditions:
Cardiovascular phenotype. Identifiers: MedGen CN230736.
Dilated cardiomyopathy 1KK (CMD1KK). Identifiers: Orphanet 154, Orphanet 75249, MedGen C3714995, MONDO:0014100, OMIM 615248.

Allele frequency attached by ClinVar (database versions not stated): ExAC 0.00001; gnomAD 0.00003; TOPMed 0.00003; ESP Exome Variant Server 0.00008.
gnomAD v4.1: 5 of 1,614,014 alleles (0.00031%); highest among the groups gnomAD compares: African/African-American, 0.0067%; no homozygotes.

Submissions (3):

Ambry Genetics
Classification: Uncertain significance for Cardiovascular phenotype. Last evaluated: 2024-08-28. Review status: criteria provided, single submitter. Criteria: Ambry Variant Classification Scheme 2023. Collection method: clinical testing. Allele origin: germline.
Comment: The p.P961A variant (also known as c.2881C>G), located in coding exon 12 of the MYPN gene, results from a C to G substitution at nucleotide position 2881. The proline at codon 961 is replaced by alanine, an amino acid with highly similar properties. This amino acid position is conserved. In addition, this alteration is predicted to be tolerated by in silico analysis. Since supporting evidence is limited at this time, the clinical significance of this alteration remains unclear.

Labcorp Genetics (formerly Invitae), Labcorp
Classification: Uncertain significance for Dilated cardiomyopathy 1KK. Last evaluated: 2022-08-16. Review status: criteria provided, single submitter. Criteria: Invitae Variant Classification Sherloc (09022015). Collection method: clinical testing. Allele origin: germline.
Comment: This sequence change replaces proline, which is neutral and non-polar, with alanine, which is neutral and non-polar, at codon 961 of the MYPN protein (p.Pro961Ala). This variant is present in population databases (rs139996402, gnomAD 0.01%). This variant has not been reported in the literature in individuals affected with MYPN-related conditions. ClinVar contains an entry for this variant (Variation ID: 958452). Algorithms developed to predict the effect of missense changes on protein structure and function are either unavailable or do not agree on the potential impact of this missense change (SIFT: "Tolerated"; PolyPhen-2: "Probably Damaging"; Align-GVGD: "Class C0"). In summary, the available evidence is currently insufficient to determine the role of this variant in disease. Therefore, it has been classified as a Variant of Uncertain Significance.

GeneDx
Classification: Uncertain significance. Last evaluated: 2019-09-13. Review status: criteria provided, single submitter. Criteria: GeneDx Variant Classification Process June 2021. Collection method: clinical testing. Allele origin: germline. Affected: yes.
Comment: Has not been previously published as pathogenic or benign to our knowledge; Not observed at a significant frequency in large population cohorts (Lek et al., 2016); In silico analysis, which includes protein predictors and evolutionary conservation, supports a deleterious effect